The following is an entry in ClinVar:

NM_006348.5(COG5):c.1673A>G (p.Gln558Arg)

Genes: COG5 (component of oligomeric golgi complex 5; minus strand), LOC129389837 (MPRA-validated peak6677 silencer; plus strand). Cytogenetic location: 7q22.3.
Variant type: single nucleotide variant.
Coding change: c.1673A>G on transcript NM_006348.5 (MANE Select); coding-DNA position 1673, A replaced by G.
Protein change: p.Gln558Arg; replaces glutamine 558 with arginine.
Molecular consequence: missense variant. On other transcripts: intron variant (1).
Genome position (GRCh38, 1-based): chr7:107,258,286, T>C on the plus strand (A>G on the coding strand, the complement: COG5 is on the minus strand). VCF-style: chr7-107258286-T-C. GRCh37 (hg19) VCF-style: chr7-106898731-T-C.
Other names: c.1673A>G, p.Gln558Arg (NM_001161520.2, NM_001379513.1, NM_001379514.1 and 1 more transcripts); c.1511A>G, p.Gln504Arg (NM_001379511.1); c.1103A>G, p.Gln368Arg (NM_001379515.1); c.959A>G, p.Gln320Arg (NM_001379516.1); c.1576-9787A>G (NM_001379512.1); short protein forms Q504R, Q558R, Q320R, Q368R.
Identifiers: ClinVar variation 2096255 (VCV002096255.4), dbSNP rs755381801, ClinGen allele CA4430841.

ClinVar aggregate classification (germline): Uncertain significance (1 of 4 stars; one submission).

Conditions:
COG5-congenital disorder of glycosylation. Also called: CDG IIi; CONGENITAL DISORDER OF GLYCOSYLATION, TYPE IIi; COG5-CDG. Identifiers: Orphanet 263487, MedGen C3150876, MONDO:0013325, OMIM 613612.

Allele frequency attached by ClinVar (database versions not stated): gnomAD exomes below 0.00001; ExAC 0.00001.
gnomAD v4.1: 4 of 1,601,828 alleles (0.00025%); highest among the groups gnomAD compares: Non-Finnish European, 0.00034%; no homozygotes.

Submission:

Labcorp Genetics (formerly Invitae), Labcorp
Classification: Uncertain significance for COG5-congenital disorder of glycosylation. Last evaluated: 2022-05-05. Review status: criteria provided, single submitter. Criteria: Invitae Variant Classification Sherloc (09022015). Collection method: clinical testing. Allele origin: germline.
Comment: In summary, the available evidence is currently insufficient to determine the role of this variant in disease. Therefore, it has been classified as a Variant of Uncertain Significance. Algorithms developed to predict the effect of missense changes on protein structure and function (SIFT, PolyPhen-2, Align-GVGD) all suggest that this variant is likely to be tolerated. This variant has not been reported in the literature in individuals affected with COG5-related conditions. This variant is present in population databases (rs755381801, gnomAD 0.0009%). This sequence change replaces glutamine, which is neutral and polar, with arginine, which is basic and polar, at codon 589 of the COG5 protein (p.Gln589Arg).